The following is an entry in ClinVar:

NC_012920.1(MT-CO3):m.9390A>G

Gene: MT-CO3 (mitochondrially encoded cytochrome c oxidase III; plus strand).
Variant type: single nucleotide variant.
Genome position: chrM-9390-A-G.
Identifiers: ClinVar variation 693159 (VCV000693159.1), dbSNP rs1603222288, ClinGen allele CA414802835.

ClinVar aggregate classification (germline): Uncertain significance (1 of 4 stars; one submission).

Conditions:
Leigh syndrome (NULS). Also called: Leigh's necrotizing encephalopathy; Leigh's disease; Leigh Syndrome (mtDNA deletion); Leigh Disease; Subacute necrotizing encephalopathy; Necrotizing encephalopathy infantile subacute of Leigh. Identifiers: Orphanet 506, MedGen C2931891, MONDO:0009723, OMIM 256000.

Submission:

Wong Mito Lab, Molecular and Human Genetics, Baylor College of Medicine
Classification: Uncertain significance for Leigh syndrome. Last evaluated: 2019-10-17. Review status: criteria provided, single submitter. Criteria: Modified ACMG Guidelines (Unpublished). Collection method: clinical testing. Allele origin: germline.
Comment: The NC_012920.1:m.9390A>G (YP_003024032.1:p.Thr62Ala) variant in MTCO3 gene is interpretated to be a Uncertain Significance variant based on the modified ACMG guidelines (unpublished). This variant meets the following evidence codes: PM10, PP6, BP4